The following is an entry in ClinVar:

ClinVar aggregate classification (germline): Likely benign (1 of 4 stars; one submission).

Allele frequency attached by ClinVar (database versions not stated): gnomAD exomes below 0.00001.
gnomAD v4.1: 1 of 725,504 alleles (0.00014%); highest among the groups gnomAD compares: Non-Finnish European, 0.00019%; no homozygotes.

Submission:

CeGaT Center for Human Genetics Tuebingen
Classification: Likely benign. Last evaluated: 2025-10-01. Review status: criteria provided, single submitter. Criteria: CeGaT Center For Human Genetics Tuebingen Variant Classification Criteria Version 2. Collection method: clinical testing. Allele origin: germline. Affected: yes. Observed: 3 variant alleles.
Comment: MUC4: BP4, BP7

NM_018406.7(MUC4):c.3939T>G (p.Leu1313=)

Gene: MUC4 (mucin 4, cell surface associated). Cytogenetic location: 3q29.
Variant type: single nucleotide variant.
Coding change: c.3939T>G on transcript NM_018406.7 (MANE Select); coding-DNA position 3939, T replaced by G.
Protein change: p.Leu1313=; no amino-acid change (leucine 1313 retained).
Molecular consequence: synonymous variant. On other transcripts: genic upstream transcript variant (2).
Genome position (GRCh38, 1-based): chr3:195,787,641, A>C on the plus strand (T>G on the coding strand, the complement: MUC4 is on the minus strand). VCF-style: chr3-195787641-A-C. GRCh37 (hg19) VCF-style: chr3-195514512-A-C.
Other names: c.4866T>G, p.Leu1622= (NM_001322468.1); c.83-13336T>G (NM_138297.5); c.83-9186T>G (NM_004532.6).
Identifiers: ClinVar variation 2654478 (VCV002654478.24), dbSNP rs1442692557, ClinGen allele CA438042542.